The following is an entry in ClinVar:

ClinVar aggregate classification (germline): Uncertain significance (1 of 4 stars; one submission).

Conditions:
Chédiak-Higashi syndrome (CHS). Also called: Chediak-Higashi Syndrome. Identifiers: Orphanet 167, MedGen C0007965, MONDO:0008963, OMIM 214500.

gnomAD v4.1: 1 of 1,613,848 alleles (0.000062%); highest among the groups gnomAD compares: Non-Finnish European, 0.000085%; no homozygotes.

Submission:

Labcorp Genetics (formerly Invitae), Labcorp
Classification: Uncertain significance for Chédiak-Higashi syndrome. Last evaluated: 2025-03-25. Review status: criteria provided, single submitter. Criteria: Invitae Variant Classification Sherloc (09022015). Collection method: clinical testing. Allele origin: germline.
Comment: This sequence change replaces leucine, which is neutral and non-polar, with tryptophan, which is neutral and slightly polar, at codon 1547 of the LYST protein (p.Leu1547Trp). This variant is not present in population databases (gnomAD no frequency). This variant has not been reported in the literature in individuals affected with LYST-related conditions. Invitae Evidence Modeling of protein sequence and biophysical properties (such as structural, functional, and spatial information, amino acid conservation, physicochemical variation, residue mobility, and thermodynamic stability) has been performed for this missense variant. However, the output from this modeling did not meet the statistical confidence thresholds required to predict the impact of this variant on LYST protein function. In summary, the available evidence is currently insufficient to determine the role of this variant in disease. Therefore, it has been classified as a Variant of Uncertain Significance.

NM_000081.4(LYST):c.4640T>G (p.Leu1547Trp)

Gene: LYST (lysosomal trafficking regulator; minus strand). Cytogenetic location: 1q42.3.
Variant type: single nucleotide variant.
Coding change: c.4640T>G on transcript NM_000081.4 (MANE Select); coding-DNA position 4640, T replaced by G.
Protein change: p.Leu1547Trp; replaces leucine 1547 with tryptophan.
Molecular consequence: missense variant.
Genome position (GRCh38, 1-based): chr1:235,788,749, A>C on the plus strand (T>G on the coding strand, the complement: LYST is on the minus strand). VCF-style: chr1-235788749-A-C. GRCh37 (hg19) VCF-style: chr1-235952049-A-C.
Other names: c.4640T>G, p.Leu1547Trp (NM_001301365.1); short protein forms L1547W.
Identifiers: ClinVar variation 4801762 (VCV004801762.1).